The following is an entry in ClinVar:

NM_002693.3(POLG):c.302G>T (p.Arg101Leu)

Genes: POLG (DNA polymerase gamma, catalytic subunit; minus strand), POLGARF (POLG alternative reading frame; minus strand). Cytogenetic location: 15q26.1.
Variant type: single nucleotide variant.
Coding change: c.302G>T on transcript NM_002693.3 (MANE Select); coding-DNA position 302, G replaced by T.
Protein change: p.Arg101Leu; replaces arginine 101 with leucine.
Molecular consequence: missense variant.
Genome position (GRCh38, 1-based): chr15:89,333,453, C>A on the plus strand (G>T on the coding strand, the complement: POLG is on the minus strand). VCF-style: chr15-89333453-C-A. GRCh37 (hg19) VCF-style: chr15-89876684-C-A.
Other names: c.302G>T, p.Arg101Leu (NM_001126131.2); short protein forms R101L.
Identifiers: ClinVar variation 2848680 (VCV002848680.3), dbSNP rs2509275973, ClinGen allele CA393772912.
Genomic context (GRCh38, chr15:89,333,453, plus strand): 5'-GGCAAGGGCACGGCTGGCTGCCCCCAGAGCCCGTGCTTCTGCAGGTGCTCGACGCTGCGG[C>A]GCACCGCGGCCTCGCCAGGCATCTCCCCTCCTTGCCCGAAGATTTGCTCGTGCAGCCCTC-3'
Protein context (NP_002684.1, residues 91-111): GGEMPGEAAV[Arg101Leu]RSVEHLQKHG

ClinVar aggregate classification (germline): Uncertain significance (1 of 4 stars; one submission).

Conditions:
Progressive sclerosing poliodystrophy (MTDPS4A). Also called: Mitochondrial DNA depletion syndrome 4A (Alpers type); ALPERS PROGRESSIVE INFANTILE POLIODYSTROPHY; NEURONAL DEGENERATION OF CHILDHOOD WITH LIVER DISEASE, PROGRESSIVE; Alpers Syndrome; ALPERS DIFFUSE DEGENERATION OF CEREBRAL GRAY MATTER WITH HEPATIC CIRRHOSIS; Alpers-Huttenlocher Syndrome. Identifiers: Orphanet 726, MedGen C0205710, MONDO:0008758, OMIM 203700.

Submission:

Labcorp Genetics (formerly Invitae), Labcorp
Classification: Uncertain significance for Progressive sclerosing poliodystrophy. Last evaluated: 2023-03-22. Review status: criteria provided, single submitter. Criteria: Invitae Variant Classification Sherloc (09022015). Collection method: clinical testing. Allele origin: germline.
Comment: This variant has not been reported in the literature in individuals affected with POLG-related conditions. This variant is not present in population databases (gnomAD no frequency). This sequence change replaces arginine, which is basic and polar, with leucine, which is neutral and non-polar, at codon 101 of the POLG protein (p.Arg101Leu). In summary, the available evidence is currently insufficient to determine the role of this variant in disease. Therefore, it has been classified as a Variant of Uncertain Significance. Advanced modeling of protein sequence and biophysical properties (such as structural, functional, and spatial information, amino acid conservation, physicochemical variation, residue mobility, and thermodynamic stability) has been performed at Invitae for this missense variant, however the output from this modeling did not meet the statistical confidence thresholds required to predict the impact of this variant on POLG protein function.